The following is an entry in ClinVar:

NM_001369.3(DNAH5):c.8386G>C (p.Asp2796His)

Gene: DNAH5 (dynein axonemal heavy chain 5; minus strand). Cytogenetic location: 5p15.2.
Variant type: single nucleotide variant.
Coding change: c.8386G>C on transcript NM_001369.3 (MANE Select); coding-DNA position 8386, G replaced by C.
Protein change: p.Asp2796His; replaces aspartic acid 2796 with histidine.
Molecular consequence: missense variant.
Genome position (GRCh38, 1-based): chr5:13,792,056, C>G on the plus strand (G>C on the coding strand, the complement: DNAH5 is on the minus strand). VCF-style: chr5-13792056-C-G. GRCh37 (hg19) VCF-style: chr5-13792165-C-G.
Other names: short protein forms D2796H.
Identifiers: ClinVar variation 1345928 (VCV001345928.8), dbSNP rs2126899976, ClinGen allele CA359219061.

ClinVar aggregate classification (germline): Likely pathogenic (1 of 4 stars; one submission).

Conditions:
Primary ciliary dyskinesia. Also called: Ciliary dyskinesia. Identifiers: Orphanet 244, MedGen C0008780, MONDO:0016575, HP:0012265.

Submission:

Labcorp Genetics (formerly Invitae), Labcorp
Classification: Likely pathogenic for Primary ciliary dyskinesia. Last evaluated: 2020-12-20. Review status: criteria provided, single submitter. Criteria: Invitae Variant Classification Sherloc (09022015). Collection method: clinical testing. Allele origin: germline.
Comment: In summary, the currently available evidence indicates that the variant is pathogenic, but additional data are needed to prove that conclusively. Therefore, this variant has been classified as Likely Pathogenic. This variant disrupts the p.Asp2796Gly amino acid residue in DNAH5. Other variant(s) that disrupt this residue have been determined to be pathogenic (Invitae). This suggests that this residue is clinically significant, and that variants that disrupt this residue are likely to be disease-causing. Advanced modeling of protein sequence and biophysical properties (such as structural, functional, and spatial information, amino acid conservation, physicochemical variation, residue mobility, and thermodynamic stability) performed at Invitae indicates that this missense variant is expected to disrupt DNAH5 protein function. This variant has not been reported in the literature in individuals with DNAH5-related conditions. This variant is not present in population databases (ExAC no frequency). This sequence change replaces aspartic acid with histidine at codon 2796 of the DNAH5 protein (p.Asp2796His). The aspartic acid residue is highly conserved and there is a moderate physicochemical difference between aspartic acid and histidine.